The following is an entry in ClinVar:

NM_003482.4(KMT2D):c.6239_6240insAGATCAACAAGCAGGTCTCCCCCTGT (p.Glu2081fs)

Gene: KMT2D (lysine methyltransferase 2D; minus strand). Cytogenetic location: 12q13.12.
Variant type: Insertion.
Coding change: c.6239_6240insAGATCAACAAGCAGGTCTCCCCCTGT on transcript NM_003482.4 (MANE Select); coding-DNA positions 6239 to 6240, AGATCAACAAGCAGGTCTCCCCCTGT inserted.
Protein change: p.Glu2081fs; shifts the reading frame from glutamic acid 2081.
Molecular consequence: frameshift variant.
Genome position: GRCh38 VCF-style: chr12-49041530-A-AACAGGGGGAGACCTGCTTGTTGATCT. GRCh37 (hg19) VCF-style: chr12-49435313-A-AACAGGGGGAGACCTGCTTGTTGATCT.
Other names: short protein forms E2081fs.
Identifiers: ClinVar variation 973867 (VCV000973867.1), dbSNP rs1943530881, ClinGen allele CA1139662678.

ClinVar aggregate classification (germline): Pathogenic (1 of 4 stars; one submission).

Conditions:
Kabuki syndrome 1 (KABUK1). Also called: KMT2D-Related Kabuki Syndrome. Identifiers: Orphanet 2322, MedGen CN030661, MONDO:0007843, OMIM 147920.

Submission:

Johns Hopkins Genomics, Johns Hopkins University
Classification: Pathogenic for Kabuki syndrome 1. Last evaluated: 2020-02-05. Review status: criteria provided, single submitter. Criteria: ACMG Guidelines, 2015. Collection method: clinical testing. Allele origin: germline.
Comment: A variant was identified in KMT2D that has not been previously reported in academic literature or ClinVar to our knowledge. Additionally, this variant is absent from a large population dataset. This frameshift variant results in a premature stop codon in exon 31 of 54 likely leading to nonsense-mediated decay and lack of protein production. Based on the predicted molecular consequence of this apparently de novo variant in addition to the patient's clinical presentation, this variant is considered pathogenic in this patient.